The following is an entry in ClinVar:

NM_006892.4(DNMT3B):c.517G>A (p.Asp173Asn)

Gene: DNMT3B (DNA methyltransferase 3 beta; plus strand). Cytogenetic location: 20q11.21.
Variant type: single nucleotide variant.
Coding change: c.517G>A on transcript NM_006892.4 (MANE Select); coding-DNA position 517, G replaced by A.
Protein change: p.Asp173Asn; replaces aspartic acid 173 with asparagine.
Molecular consequence: missense variant.
Genome position (GRCh38, 1-based): chr20:32,787,314, G>A. VCF-style: chr20-32787314-G-A. GRCh37 (hg19) VCF-style: chr20-31375120-G-A.
Other names: c.391G>A, p.Asp131Asn (NM_001207055.2, NM_001424352.1, NM_001424354.1 and 3 more transcripts); c.289G>A, p.Asp97Asn (NM_001207056.2); c.517G>A, p.Asp173Asn (NM_001424351.1, NM_001424353.1, NM_001424355.1 and 2 more transcripts); c.553G>A, p.Asp185Asn (NM_001424359.1, NM_175850.3); c.427G>A, p.Asp143Asn (NM_001424360.1); short protein forms D185N, D97N, D143N, D173N, D131N.
Identifiers: ClinVar variation 4750468 (VCV004750468.1).
Genomic context (GRCh38, chr20:32,787,314, plus strand): 5'-TCGGCAGGAACGCCATGGCCGTCCCCTCCCAGCTCTTACCTTACCATCGACCTCACAGAC[G>A]ACACAGAGGACACACATGGGACGCCCCAGAGCAGCAGTACCCCCTACGCCCGCCTAGCCC-3'
Protein context (NP_008823.1, residues 163-183): SSYLTIDLTD[Asp173Asn]TEDTHGTPQS

ClinVar aggregate classification (germline): Uncertain significance (1 of 4 stars; one submission).

Conditions:
Centromeric instability of chromosomes 1,9 and 16 and immunodeficiency (ICF1). Also called: CENTROMERIC INSTABILITY, IMMUNODEFICIENCY SYNDROME; IMMUNE DEFICIENCY, VARIABLE, WITH CENTROMERIC INSTABILITY OF CHROMOSOMES 1, 9, AND 16; IMMUNODEFICIENCY SYNDROME, VARIABLE; Immunodeficiency-centromeric instability-facial anomalies. Identifiers: Orphanet 2268, MedGen C0398788, MONDO:0000133.

gnomAD v4.1: 7 of 1,613,954 alleles (0.00043%); highest among the groups gnomAD compares: Non-Finnish European, 0.00059%; no homozygotes.

Submission:

Labcorp Genetics (formerly Invitae), Labcorp
Classification: Uncertain significance for Centromeric instability of chromosomes 1,9 and 16 and immunodeficiency. Last evaluated: 2025-10-29. Review status: criteria provided, single submitter. Criteria: Invitae Variant Classification Sherloc (09022015). Collection method: clinical testing. Allele origin: germline.
Comment: This sequence change replaces aspartic acid, which is acidic and polar, with asparagine, which is neutral and polar, at codon 173 of the DNMT3B protein (p.Asp173Asn). This variant is present in population databases (no rsID available, gnomAD 0.003%). This variant has not been reported in the literature in individuals affected with DNMT3B-related conditions. Invitae Evidence Modeling of protein sequence and biophysical properties (such as structural, functional, and spatial information, amino acid conservation, physicochemical variation, residue mobility, and thermodynamic stability) indicates that this missense variant is not expected to disrupt DNMT3B protein function with a negative predictive value of 95%. In summary, the available evidence is currently insufficient to determine the role of this variant in disease. Therefore, it has been classified as a Variant of Uncertain Significance.